The following is an entry in ClinVar:

NM_005751.5(AKAP9):c.7865T>C (p.Leu2622Ser)

Gene: AKAP9 (A-kinase anchoring protein 9; plus strand). Cytogenetic location: 7q21.2.
Variant type: single nucleotide variant.
Coding change: c.7865T>C on transcript NM_005751.5 (MANE Select); coding-DNA position 7865, T replaced by C.
Protein change: p.Leu2622Ser; replaces leucine 2622 with serine.
Molecular consequence: missense variant.
Genome position (GRCh38, 1-based): chr7:92,079,998, T>C. VCF-style: chr7-92079998-T-C. GRCh37 (hg19) VCF-style: chr7-91709312-T-C.
Other names: c.2510T>C, p.Leu837Ser (NM_001379277.1); c.7841T>C, p.Leu2614Ser (NM_147185.3); short protein forms L2622S, L837S, L2614S.
Identifiers: ClinVar variation 2129180 (VCV002129180.4), dbSNP rs2535247495, ClinGen allele CA368136690.
Genomic context (GRCh38, chr7:92,079,998, plus strand): 5'-CAGCATTAACCTTGAGAATATCAGAATTAGAAAGCCAGGTTGTTGAAATGCATACTAGTT[T>C]GATTTTAGAAAAAGAACAAGTAGAAATTGCAGAAAAAAATGTTTTAGAAAAAGAAAAGAA-3'
Protein context (NP_005742.4, residues 2612-2632): ESQVVEMHTS[Leu2622Ser]ILEKEQVEIA

ClinVar aggregate classification (germline): Uncertain significance (1 of 4 stars; one submission).

Conditions:
Long QT syndrome (LQTS). Identifiers: MedGen C0023976, MeSH D008133, MONDO:0002442. Disease mechanism: loss of function. Inheritance: Various modes of inheritance.

Submission:

Labcorp Genetics (formerly Invitae), Labcorp
Classification: Uncertain significance for Long QT syndrome. Last evaluated: 2022-08-22. Review status: criteria provided, single submitter. Criteria: Invitae Variant Classification Sherloc (09022015). Collection method: clinical testing. Allele origin: germline.
Comment: In summary, the available evidence is currently insufficient to determine the role of this variant in disease. Therefore, it has been classified as a Variant of Uncertain Significance. Algorithms developed to predict the effect of missense changes on protein structure and function are either unavailable or do not agree on the potential impact of this missense change (SIFT: "Deleterious"; PolyPhen-2: "Probably Damaging"; Align-GVGD: "Class C0"). This variant has not been reported in the literature in individuals affected with AKAP9-related conditions. This variant is not present in population databases (gnomAD no frequency). This sequence change replaces leucine, which is neutral and non-polar, with serine, which is neutral and polar, at codon 2622 of the AKAP9 protein (p.Leu2622Ser).